The following is an entry in ClinVar:

ClinVar aggregate classification (germline): Uncertain significance (1 of 4 stars; one submission).

Conditions:
Familial sleep-related hypermotor epilepsy. Also called: Autosomal Dominant Sleep-Related Hypermotor (Hyperkinetic) Epilepsy. Identifiers: Orphanet 98784, MedGen C3696898, MONDO:0000030.

Allele frequency attached by ClinVar (database versions not stated): 1000 Genomes Project 30x 0.00031.
gnomAD v4.1: 2 of 1,592,244 alleles (0.00013%); highest among the groups gnomAD compares: Non-Finnish European, 0.000086%; no homozygotes.

Submission:

Labcorp Genetics (formerly Invitae), Labcorp
Classification: Uncertain significance. Last evaluated: 2020-03-06. Review status: criteria provided, single submitter. Criteria: Invitae Variant Classification Sherloc (09022015). Collection method: clinical testing. Allele origin: germline.
Comment: This sequence change replaces proline with leucine at codon 411 of the CHRNA4 protein (p.Pro411Leu). The proline residue is weakly conserved and there is a moderate physicochemical difference between proline and leucine. In summary, the available evidence is currently insufficient to determine the role of this variant in disease. Therefore, it has been classified as a Variant of Uncertain Significance. Algorithms developed to predict the effect of missense changes on protein structure and function (SIFT, PolyPhen-2, Align-GVGD) all suggest that this variant is likely to be tolerated, but these predictions have not been confirmed by published functional studies and their clinical significance is uncertain. This variant has not been reported in the literature in individuals with CHRNA4-related conditions. This variant is not present in population databases (ExAC no frequency).

NM_000744.7(CHRNA4):c.1232C>T (p.Pro411Leu)

Gene: CHRNA4 (cholinergic receptor nicotinic alpha 4 subunit; minus strand). Cytogenetic location: 20q13.33.
Variant type: single nucleotide variant.
Coding change: c.1232C>T on transcript NM_000744.7 (MANE Select); coding-DNA position 1232, C replaced by T.
Protein change: p.Pro411Leu; replaces proline 411 with leucine.
Molecular consequence: missense variant. On other transcripts: non-coding transcript variant (1).
Genome position (GRCh38, 1-based): chr20:63,350,179, G>A on the plus strand (C>T on the coding strand, the complement: CHRNA4 is on the minus strand). VCF-style: chr20-63350179-G-A. GRCh37 (hg19) VCF-style: chr20-61981531-G-A.
Other names: c.704C>T, p.Pro235Leu (NM_001256573.2); short protein forms P235L, P411L.
Identifiers: ClinVar variation 1001563 (VCV001001563.9), dbSNP rs779035642, ClinGen allele CA409634044.